The following is an entry in ClinVar:

ClinVar aggregate classification (germline): Uncertain significance (1 of 4 stars; one submission).

Submission:

Ambry Genetics
Classification: Uncertain significance. Last evaluated: 2021-12-11. Review status: criteria provided, single submitter. Criteria: Ambry Variant Classification Scheme 2023. Collection method: clinical testing. Allele origin: germline.
Comment: The p.T617I variant (also known as c.1850C>T), located in coding exon 3 of the ALPK2 gene, results from a C to T substitution at nucleotide position 1850. The threonine at codon 617 is replaced by isoleucine, an amino acid with similar properties. This amino acid position is conserved. In addition, this alteration is predicted to be tolerated by in silico analysis. Since supporting evidence is limited at this time, the clinical significance of this alteration remains unclear.

NM_052947.4(ALPK2):c.1850C>T (p.Thr617Ile)

Gene: ALPK2 (alpha kinase 2; minus strand). Cytogenetic location: 18q21.31.
Variant type: single nucleotide variant.
Coding change: c.1850C>T on transcript NM_052947.4 (MANE Select); coding-DNA position 1850, C replaced by T.
Protein change: p.Thr617Ile; replaces threonine 617 with isoleucine.
Molecular consequence: missense variant.
Genome position (GRCh38, 1-based): chr18:58,578,926, G>A on the plus strand (C>T on the coding strand, the complement: ALPK2 is on the minus strand). VCF-style: chr18-58578926-G-A. GRCh37 (hg19) VCF-style: chr18-56246158-G-A.
Other names: short protein forms T617I.
Identifiers: ClinVar variation 1781316 (VCV001781316.2), dbSNP rs2518898512, ClinGen allele CA402559804.
Genomic context (GRCh38, chr18:58,578,926, plus strand): 5'-ACTTGCATGCCTTCTCCCTTGCAATTTGTGTTGCCTTCTTTGGAGACTGAGTCTGTTGAA[G>A]TTTGAAGGGTTTTTGCTTCTTGCTCTGCCTGGGTTGAAATAGCACATTCTCTTGCATCAG-3'
Protein context (NP_443179.3, residues 607-627): QAEQEAKTLQ[Thr617Ile]STDSVSKEGN